The following is an entry in ClinVar:

ClinVar aggregate classification (germline): Uncertain significance (1 of 4 stars; one submission).

Conditions:
Cowden syndrome (CS). Also called: Cowden's disease; Cowden's syndrome; Cowden disease. Identifiers: Orphanet 201, MedGen C0018553, MONDO:0016063. Disease mechanism: gain of function.

Submission:

Labcorp Genetics (formerly Invitae), Labcorp
Classification: Uncertain significance for Cowden syndrome. Last evaluated: 2020-08-03. Review status: criteria provided, single submitter. Criteria: Invitae Variant Classification Sherloc (09022015). Collection method: clinical testing. Allele origin: germline.
Comment: This variant is not present in population databases (ExAC no frequency). In summary, the available evidence is currently insufficient to determine the role of this variant in disease. Therefore, it has been classified as a Variant of Uncertain Significance. Algorithms developed to predict the effect of missense changes on protein structure and function (SIFT, PolyPhen-2, Align-GVGD) all suggest that this variant is likely to be tolerated, but these predictions have not been confirmed by published functional studies and their clinical significance is uncertain. This variant has not been reported in the literature in individuals with PIK3CA-related conditions. This sequence change replaces alanine with threonine at codon 442 of the PIK3CA protein (p.Ala442Thr). The alanine residue is highly conserved and there is a small physicochemical difference between alanine and threonine.

NM_006218.4(PIK3CA):c.1324G>A (p.Ala442Thr)

Gene: PIK3CA (phosphatidylinositol-4,5-bisphosphate 3-kinase catalytic subunit alpha; plus strand). Cytogenetic location: 3q26.32.
Variant type: single nucleotide variant.
Coding change: c.1324G>A on transcript NM_006218.4 (MANE Select); coding-DNA position 1324, G replaced by A.
Protein change: p.Ala442Thr; replaces alanine 442 with threonine.
Molecular consequence: missense variant.
Genome position (GRCh38, 1-based): chr3:179,210,258, G>A. VCF-style: chr3-179210258-G-A. GRCh37 (hg19) VCF-style: chr3-178928046-G-A.
Other names: short protein forms A442T.
Identifiers: ClinVar variation 1038379 (VCV001038379.9), dbSNP rs200951754, ClinGen allele CA355261816.